The following is an entry in ClinVar:

ClinVar aggregate classification (germline): Pathogenic (1 of 4 stars; one submission).

Submission:

Labcorp Genetics (formerly Invitae), Labcorp
Classification: Pathogenic. Last evaluated: 2022-08-31. Review status: criteria provided, single submitter. Criteria: Invitae Variant Classification Sherloc (09022015). Collection method: clinical testing. Allele origin: germline.
Comment: ClinVar contains an entry for this variant (Variation ID: 1455695). For these reasons, this variant has been classified as Pathogenic. This variant has not been reported in the literature in individuals affected with SZT2-related conditions. This variant is not present in population databases (gnomAD no frequency). This sequence change creates a premature translational stop signal (p.Ala1751Glyfs*10) in the SZT2 gene. It is expected to result in an absent or disrupted protein product. Loss-of-function variants in SZT2 are known to be pathogenic (PMID: 23932106, 27248490, 28556953).

Literature cited by the submitters: PubMed 23932106; PubMed 27248490; PubMed 28556953.

NM_001365999.1(SZT2):c.5421_5422dup (p.Ala1808fs)

Gene: SZT2 (SZT2 subunit of KICSTOR complex; plus strand). Cytogenetic location: 1p34.2.
Variant type: Duplication.
Coding change: c.5421_5422dup on transcript NM_001365999.1 (MANE Select); coding-DNA positions 5421 to 5422, 2 bases duplicated (GG; older notation c.5421_5422dupGG).
Protein change: p.Ala1808fs; shifts the reading frame from alanine 1808.
Molecular consequence: frameshift variant.
Genome position (GRCh38, 1-based): chr1:43,432,418-43,432,419, GG duplicated; duplicating any 2 consecutive bases within chr1:43,432,417-43,432,419 gives the same sequence; the c. name uses the placement nearest the transcript's 3' end. VCF-style (leftmost placement, unchanged base first): chr1-43432416-A-AGG. GRCh37 (hg19) VCF-style: chr1-43898087-A-AGG.
Other names: c.5250_5251dup, p.Ala1751fs (NM_015284.4); short protein forms A1808fs, A1751fs.
Identifiers: ClinVar variation 1455695 (VCV001455695.6), dbSNP rs1654007685, ClinGen allele CA1165604941.
Genomic context (GRCh38, chr1:43,432,416, plus strand): 5'-CCAGGTGGGTCCCATGGGGAGCCTTCTTCAGCGGCCTGGGCTTGGCACAGTCATGAGGAC[A>AGG]GGGCTGAAGGCATCGAAGGGGAGGTGAGTCTCACCTGGGAATGGAGGGGGGTGGTGGGTG-3'